The following is an entry in ClinVar:

ClinVar aggregate classification (germline): Uncertain significance. Review status: criteria provided, multiple submitters, no conflicts (2 of 4 stars). 2 submissions from 2 submitters: Uncertain significance (2). Last evaluated 2023-12-21.

Conditions:
Early-infantile DEE. Also called: Early infantile epileptic encephalopathy; Ohtahara syndrome; Early infantile epileptic encephalopathy with suppression bursts. Identifiers: Orphanet 1934, MedGen C0393706, MONDO:0800491.

Allele frequency attached by ClinVar (database versions not stated): gnomAD exomes 0.00001.
gnomAD v4.1: 6 of 1,614,170 alleles (0.00037%); highest among the groups gnomAD compares: South Asian, 0.0033%; no homozygotes.

Submissions (2):

Labcorp Genetics (formerly Invitae), Labcorp
Classification: Uncertain significance for Early-infantile DEE. Last evaluated: 2023-12-21. Review status: criteria provided, single submitter. Criteria: Invitae Variant Classification Sherloc (09022015). Collection method: clinical testing. Allele origin: germline.
Comment: This sequence change replaces glutamic acid, which is acidic and polar, with lysine, which is basic and polar, at codon 1679 of the SCN8A protein (p.Glu1679Lys). This variant is present in population databases (rs796053225, gnomAD 0.01%). This variant has not been reported in the literature in individuals affected with SCN8A-related conditions. ClinVar contains an entry for this variant (Variation ID: 207128). Advanced modeling of protein sequence and biophysical properties (such as structural, functional, and spatial information, amino acid conservation, physicochemical variation, residue mobility, and thermodynamic stability) performed at Invitae indicates that this missense variant is not expected to disrupt SCN8A protein function with a negative predictive value of 95%. In summary, the available evidence is currently insufficient to determine the role of this variant in disease. Therefore, it has been classified as a Variant of Uncertain Significance.

GeneDx
Classification: Uncertain significance. Last evaluated: 2014-10-03. Review status: criteria provided, single submitter. Criteria: GeneDx Variant Classification (06012015). Collection method: clinical testing. Allele origin: germline. Affected: yes.
Comment: p.Glu1679Lys (E1679K) GAG>AAG: c.5035 G>A in exon 27 of the SCN8A gene (NM_014191.3). The E1679K variant has not been published as a mutation, nor has it been reported as a benign polymorphism to our knowledge. It was not observed in approximately 6,500 individuals of European and African American ancestry in the NHLBI Exome Sequencing Project, indicating it is not a common benign variant in these populations. The E1679K variant is a non-conservative amino acid substitution, which is likely to impact secondary protein structure as these residues differ in polarity, charge, size and/or other properties. This substitution occurs at a position that is conserved in mammals in the cytoplasmic loop between the 4th and 5th homologous domains. However, in silico analysis is inconsistent in its predictions as to whether or not the E1679K variant is damaging to the protein structure/function. Therefore, based on the currently available information, it is unclear whether this variant is a pathogenic mutation or a rare benign variant.The variant is found in EPILEPSY panel(s).

NM_001330260.2(SCN8A):c.5035G>A (p.Glu1679Lys)

Gene: SCN8A (sodium voltage-gated channel alpha subunit 8; plus strand). Cytogenetic location: 12q13.13.
Variant type: single nucleotide variant.
Coding change: c.5035G>A on transcript NM_001330260.2 (MANE Select); coding-DNA position 5035, G replaced by A.
Protein change: p.Glu1679Lys; replaces glutamic acid 1679 with lysine.
Molecular consequence: missense variant.
Genome position (GRCh38, 1-based): chr12:51,806,521, G>A. VCF-style: chr12-51806521-G-A. GRCh37 (hg19) VCF-style: chr12-52200305-G-A.
Other names: p.E1679K:GAG>AAG; c.4912G>A, p.Glu1638Lys (NM_001177984.3, NM_001369788.1); c.5035G>A, p.Glu1679Lys (NM_014191.4); short protein forms E1679K, E1638K.
Identifiers: ClinVar variation 207128 (VCV000207128.6), dbSNP rs796053225, ClinGen allele CA318294.
Genomic context (GRCh38, chr12:51,806,521, plus strand): 5'-TTCCTGGTCATGTTCATCTTCTCCATTTTTGGGATGTCCAATTTTGCATATGTGAAGCAC[G>A]AGGCTGGTATCGATGACATGTTCAACTTTGAGACATTTGGCAACAGCATGATCTGCCTGT-3'
Protein context (NP_001317189.1, residues 1669-1689): GMSNFAYVKH[Glu1679Lys]AGIDDMFNFE